The following is an entry in ClinVar:

ClinVar aggregate classification (germline): Uncertain significance (1 of 4 stars; one submission).

Conditions:
2-aminoadipic 2-oxoadipic aciduria (AAKAD). Also called: Aminoadipic aciduria; ALPHA-AMINOADIPIC AND ALPHA-KETOADIPIC ACIDURIA. Identifiers: Orphanet 79154, MedGen C1859817, MONDO:0008774, OMIM 204750.

gnomAD v4.1: 2 of 1,607,774 alleles (0.00012%); highest among the groups gnomAD compares: Non-Finnish European, 0.000085%; no homozygotes.

Submission:

Labcorp Genetics (formerly Invitae), Labcorp
Classification: Uncertain significance for 2-aminoadipic 2-oxoadipic aciduria. Last evaluated: 2025-10-01. Review status: criteria provided, single submitter. Criteria: Invitae Variant Classification Sherloc (09022015). Collection method: clinical testing. Allele origin: germline.
Comment: This sequence change replaces threonine, which is neutral and polar, with lysine, which is basic and polar, at codon 786 of the DHTKD1 protein (p.Thr786Lys). This variant is not present in population databases (gnomAD no frequency). This variant has not been reported in the literature in individuals affected with DHTKD1-related conditions. An algorithm developed to predict the effect of missense changes on protein structure and function (PolyPhen-2) suggests that this variant is likely to be tolerated. In summary, the available evidence is currently insufficient to determine the role of this variant in disease. Therefore, it has been classified as a Variant of Uncertain Significance.

NM_018706.7(DHTKD1):c.2357C>A (p.Thr786Lys)

Gene: DHTKD1 (dehydrogenase E1 and transketolase domain containing 1; plus strand). Cytogenetic location: 10p14.
Variant type: single nucleotide variant.
Coding change: c.2357C>A on transcript NM_018706.7 (MANE Select); coding-DNA position 2357, C replaced by A.
Protein change: p.Thr786Lys; replaces threonine 786 with lysine.
Molecular consequence: missense variant.
Genome position (GRCh38, 1-based): chr10:12,117,710, C>A. VCF-style: chr10-12117710-C-A. GRCh37 (hg19) VCF-style: chr10-12159709-C-A.
Other names: short protein forms T786K.
Identifiers: ClinVar variation 4745126 (VCV004745126.1).